The following is an entry in ClinVar:

ClinVar aggregate classification (germline): Benign/Likely benign. Review status: criteria provided, multiple submitters, no conflicts (2 of 4 stars). 5 submissions from 5 submitters: Benign (1); Likely benign (4). Last evaluated 2025-08-21.

Conditions:
Inborn genetic diseases. Identifiers: MedGen C0950123, MeSH D030342.
Angelman syndrome-like. Identifiers: MedGen CN128785.
Developmental and epileptic encephalopathy, 2 (DEE2). Also called: CDKL5 deficiency disorder; INFANTILE SPASM SYNDROME, X-LINKED 2. Identifiers: Orphanet 1934, Orphanet 3451, Orphanet 505652, MedGen C4750718, MONDO:0010396, OMIM 300672.

Allele frequency attached by ClinVar (database versions not stated): ExAC 0.00005; TOPMed 0.00001; gnomAD 0.00002; gnomAD exomes 0.00002 and 0.00004.
gnomAD v4.1: 29 of 1,203,272 alleles (0.0024%); highest among the groups gnomAD compares: Non-Finnish European, 0.0028%; no homozygotes.

Submissions (5):

Ambry Genetics
Classification: Likely benign for Inborn genetic diseases. Last evaluated: 2025-08-21. Review status: criteria provided, single submitter. Criteria: Ambry Variant Classification Scheme 2023. Collection method: clinical testing. Allele origin: germline.

Labcorp Genetics (formerly Invitae), Labcorp
Classification: Benign for Developmental and epileptic encephalopathy, 2; Angelman syndrome-like. Last evaluated: 2025-07-30. Review status: criteria provided, single submitter. Criteria: Invitae Variant Classification Sherloc (09022015). Collection method: clinical testing. Allele origin: germline.

CeGaT Center for Human Genetics Tuebingen
Classification: Likely benign. Last evaluated: 2022-11-01. Review status: criteria provided, single submitter. Criteria: CeGaT Center For Human Genetics Tuebingen Variant Classification Criteria Version 2. Collection method: clinical testing. Allele origin: germline. Affected: yes. Observed: 1 variant allele.
Comment: CDKL5: BP4, BS2

Blueprint Genetics
Classification: Likely benign. Last evaluated: 2022-03-31. Review status: criteria provided, single submitter. Criteria: ACMG Guidelines, 2015. Collection method: clinical testing. Allele origin: germline.

GeneDx
Classification: Likely benign. Last evaluated: 2016-02-09. Review status: criteria provided, single submitter. Criteria: GeneDx Variant Classification (06012015). Collection method: clinical testing. Allele origin: germline. Affected: yes.
Comment: This variant is considered likely benign or benign based on one or more of the following criteria: it is a conservative change, it occurs at a poorly conserved position in the protein, it is predicted to be benign by multiple in silico algorithms, and/or has population frequency not consistent with disease.

NM_001323289.2(CDKL5):c.886A>G (p.Thr296Ala)

Gene: CDKL5 (cyclin dependent kinase like 5; plus strand). Cytogenetic location: Xp22.13.
Variant type: single nucleotide variant.
Coding change: c.886A>G on transcript NM_001323289.2 (MANE Select); coding-DNA position 886, A replaced by G.
Protein change: p.Thr296Ala; replaces threonine 296 with alanine.
Molecular consequence: missense variant.
Genome position (GRCh38, 1-based): chrX:18,598,522, A>G. VCF-style: chrX-18598522-A-G. GRCh37 (hg19) VCF-style: chrX-18616642-A-G.
Other names: c.886A>G, p.Thr296Ala (NM_001037343.2, NM_003159.3); short protein forms T296A.
Identifiers: ClinVar variation 383412 (VCV000383412.41), dbSNP rs751995225, ClinGen allele CA10360310.